The following is an entry in ClinVar:

ClinVar aggregate classification (germline): Conflicting classifications of pathogenicity. Review status: criteria provided, conflicting classifications (1 of 4 stars). 4 submissions from 4 submitters: Uncertain significance (2); Likely benign (1). 1 of the submissions does not count toward it. Last evaluated 2022-09-27.

Conditions:
SMPD1-related disorder. Also called: SMPD1-related condition.
Niemann-Pick disease, type B. Also called: Chronic Visceral ASMD (Niemann-Pick Disease Type B; NPD-B). Identifiers: Orphanet 77293, MedGen C0268243, MONDO:0011871, OMIM 607616. Disease mechanism: loss of function.
Niemann-Pick disease, type A. Also called: SPHINGOMYELIN LIPIDOSIS; SPHINGOMYELINASE DEFICIENCY; Infantile Neurovisceral ASMD (Niemann-Pick Disease Type A; NPD-A). Identifiers: Orphanet 77292, MedGen C0268242, MONDO:0009756, OMIM 257200. Disease mechanism: loss of function.

Submissions (4):

Labcorp Genetics (formerly Invitae), Labcorp
Classification: Uncertain significance for Niemann-Pick disease, type B; Niemann-Pick disease, type A. Last evaluated: 2022-09-27. Review status: criteria provided, single submitter. Criteria: Invitae Variant Classification Sherloc (09022015). Collection method: clinical testing. Allele origin: germline.
Comment: This variant, c.138_143dup, results in the insertion of 2 amino acid(s) of the SMPD1 protein (p.Ala48_Leu49dup), but otherwise preserves the integrity of the reading frame. This variant is not present in population databases (gnomAD no frequency). This variant has not been reported in the literature in individuals affected with SMPD1-related conditions. ClinVar contains an entry for this variant (Variation ID: 971581). Experimental studies and prediction algorithms are not available or were not evaluated, and the functional significance of this variant is currently unknown. In summary, the available evidence is currently insufficient to determine the role of this variant in disease. Therefore, it has been classified as a Variant of Uncertain Significance.

Mayo Clinic Laboratories, Mayo Clinic
Classification: Uncertain significance. Last evaluated: 2021-11-09. Review status: criteria provided, single submitter. Criteria: ACMG Guidelines, 2015. Collection method: clinical testing. Allele origin: germline.

GeneDx
Classification: Likely benign. Last evaluated: 2021-05-27. Review status: criteria provided, single submitter. Criteria: GeneDx Variant Classification Process June 2021. Collection method: clinical testing. Allele origin: germline. Affected: yes.
Comment: In-frame insertion of 2 amino acids in a repetitive region with no known function; Has not been previously published as pathogenic or benign to our knowledge

PreventionGenetics, part of Exact Sciences
Classification: Likely benign for SMPD1-related condition. Last evaluated: 2019-10-24. Review status: no assertion criteria provided. Collection method: clinical testing. Allele origin: germline. Not counted in ClinVar's aggregate classification.
Comment: This variant is classified as likely benign based on ACMG/AMP sequence variant interpretation guidelines (Richards et al. 2015 PMID: 25741868, with internal and published modifications).

NM_000543.5(SMPD1):c.108GCTGGC[7] (p.38AL[7])

Gene: SMPD1 (sphingomyelin phosphodiesterase 1; plus strand). Cytogenetic location: 11p15.4.
Variant type: Microsatellite.
Coding change: c.108GCTGGC[7] on transcript NM_000543.5 (MANE Select); seven copies in a row of the 6-base unit GCTGGC starting at c.108; the reference has six copies in a row; one copy, 6 bases duplicated.
Protein change: p.38AL[7].
Molecular consequence: inframe insertion. On other transcripts: 5 prime UTR variant (1), non-coding transcript variant (2).
Genome position (GRCh38, 1-based): chr11:6,390,736-6,390,741, GCTGGC duplicated; duplicating any 6 consecutive bases within chr11:6,390,706-6,390,741 gives the same sequence; the position shown is the placement nearest the transcript's 3' end. VCF-style (leftmost placement, unchanged base first): chr11-6390705-T-TGCTGGC. GRCh37 (hg19) VCF-style: chr11-6411935-T-TGCTGGC.
Other names: p.Ala48_Leu49dup; c.138_143dupGCTGGC (NM_000543.4); c.138_143dup6 (NM_000543.5); c.108GCTGGC[7], p.38AL[7] (NM_001007593.3, NM_001318087.2, NM_001365135.2); c.-854GCTGGC[7] (NM_001318088.2).
Identifiers: ClinVar variation 971581 (VCV000971581.12), dbSNP rs3838786, ClinGen allele CA217299015.
Genomic context (GRCh38, chr11:6,390,705, plus strand): 5'-GCCGGGAGCAGGGACAAGACGGGACCGCCGGAGCCCCCGGACTCCTTTGGATGGGCCTGG[T>TGCTGGC]GCTGGCGCTGGCGCTGGCGCTGGCGCTGGCGCTGGCTCTGTCTGACTCTCGGGTTCTCTG-3'